The following is an entry in ClinVar:

NM_001273.5(CHD4):c.2486G>A (p.Arg829His)

Gene: CHD4 (chromodomain helicase DNA binding protein 4; minus strand). Cytogenetic location: 12p13.31.
Variant type: single nucleotide variant.
Coding change: c.2486G>A on transcript NM_001273.5 (MANE Select); coding-DNA position 2486, G replaced by A.
Protein change: p.Arg829His; replaces arginine 829 with histidine.
Molecular consequence: missense variant.
Genome position (GRCh38, 1-based): chr12:6,593,444, C>T on the plus strand (G>A on the coding strand, the complement: CHD4 is on the minus strand). VCF-style: chr12-6593444-C-T. GRCh37 (hg19) VCF-style: chr12-6702610-C-T.
Other names: c.2465G>A, p.Arg822His (NM_001297553.2); c.2447G>A, p.Arg816His (NM_001363606.2); short protein forms R816H, R822H, R829H.
Identifiers: ClinVar variation 4279035 (VCV004279035.1).
Genomic context (GRCh38, chr12:6,593,444, plus strand): 5'-TTCTCTAGGGTGGCTTCCCTCCCCTGAGATACCTTCATGCGGGAGGCCTTCTTGCCACCA[C>T]GAATGGCATTGTCTTCAAAGGAGAACTCATTCTCTCGGATGATGGCACGGCTGTCCTTGT-3'
Protein context (NP_001264.2, residues 819-839): NEFSFEDNAI[Arg829His]GGKKASRMKK

ClinVar aggregate classification (germline): Uncertain significance (1 of 4 stars; one submission).

Conditions:
Sifrim-Hitz-Weiss syndrome (SIHIWES). Also called: CHD4 Neurodevelopmental Disorder; SIFRIM-HITZ-WEISS MULTIPLE CONGENITAL ANOMALIES-MENTAL RETARDATION SYNDROME. Identifiers: Orphanet 653712, MedGen C4310688, MONDO:0014946, OMIM 617159.

Submission:

Institute of Human Genetics, University of Leipzig Medical Center
Classification: Uncertain significance for Sifrim-Hitz-Weiss syndrome. Last evaluated: 2025-08-18. Review status: criteria provided, single submitter. Criteria: ACMG Guidelines, 2015. Collection method: clinical testing. Allele origin: unknown. Inheritance: Autosomal dominant inheritance. Affected: yes.
Comment: Criteria applied: PM2,PM1_SUP,PP2,PP3